The following is an entry in ClinVar:

NM_018100.4(EFHC1):c.886C>T (p.Arg296Cys)

Gene: EFHC1 (EF-hand domain containing 1; plus strand). Cytogenetic location: 6p12.2.
Variant type: single nucleotide variant.
Coding change: c.886C>T on transcript NM_018100.4 (MANE Select); coding-DNA position 886, C replaced by T.
Protein change: p.Arg296Cys; replaces arginine 296 with cysteine.
Molecular consequence: missense variant. On other transcripts: non-coding transcript variant (1).
Genome position (GRCh38, 1-based): chr6:52,454,257, C>T. VCF-style: chr6-52454257-C-T. GRCh37 (hg19) VCF-style: chr6-52319055-C-T.
Other names: c.829C>T, p.Arg277Cys (NM_001172420.2); c.886C>T (NM_018100.3); short protein forms R277C, R296C.
Identifiers: ClinVar variation 1009248 (VCV001009248.12), dbSNP rs199814370, ClinGen allele CA3855936.

ClinVar aggregate classification (germline): Uncertain significance. Review status: criteria provided, multiple submitters, no conflicts (2 of 4 stars). 3 submissions from 3 submitters: Uncertain significance (3). Last evaluated 2024-11-10.

Conditions:
Absence seizure. Also called: Absence epilepsy. Identifiers: Orphanet 1941, MedGen C0014553.
Myoclonic epilepsy, juvenile, susceptibility to, 1. Also called: Myoclonic Epilepsy, Juvenile, 1; EJM1. Identifiers: MedGen C1850778, MONDO:0020752, OMIM 254770.

Allele frequency attached by ClinVar (database versions not stated): gnomAD 0.00001 and 0.00003; ExAC 0.00002; gnomAD exomes 0.00002 and 0.00003; TOPMed 0.00002; 1000 Genomes Project 0.00020; 1000 Genomes Project 30x 0.00031.
gnomAD v4.1: 29 of 1,614,072 alleles (0.0018%); highest among the groups gnomAD compares: South Asian, 0.0055%; no homozygotes.

Submissions (3):

Ambry Genetics
Classification: Uncertain significance. Last evaluated: 2024-11-10. Review status: criteria provided, single submitter. Criteria: Ambry Variant Classification Scheme 2023. Collection method: clinical testing. Allele origin: germline.

Blueprint Genetics
Classification: Uncertain significance. Last evaluated: 2024-09-04. Review status: criteria provided, single submitter. Criteria: ACMG Guidelines, 2015. Collection method: clinical testing. Allele origin: germline.

Labcorp Genetics (formerly Invitae), Labcorp
Classification: Uncertain significance for Myoclonic epilepsy, juvenile, susceptibility to, 1; Absence seizure. Last evaluated: 2020-05-20. Review status: criteria provided, single submitter. Criteria: Invitae Variant Classification Sherloc (09022015). Collection method: clinical testing. Allele origin: germline.
Comment: In summary, the available evidence is currently insufficient to determine the role of this variant in disease. Therefore, it has been classified as a Variant of Uncertain Significance. Algorithms developed to predict the effect of sequence changes on RNA splicing suggest that this variant may create or strengthen a splice site, but this prediction has not been confirmed by published transcriptional studies. Algorithms developed to predict the effect of missense changes on protein structure and function are either unavailable or do not agree on the potential impact of this missense change (SIFT: "Deleterious"; PolyPhen-2: "Probably Damaging"; Align-GVGD: "Class C15"). This variant has not been reported in the literature in individuals with EFHC1-related conditions. This variant is present in population databases (rs199814370, ExAC 0.01%). This sequence change replaces arginine with cysteine at codon 296 of the EFHC1 protein (p.Arg296Cys). The arginine residue is highly conserved and there is a large physicochemical difference between arginine and cysteine.